The following is an entry in ClinVar:

NM_017780.4(CHD7):c.3778G>A (p.Gly1260Ser)

Gene: CHD7 (chromodomain helicase DNA binding protein 7; plus strand). Cytogenetic location: 8q12.2.
Variant type: single nucleotide variant.
Coding change: c.3778G>A on transcript NM_017780.4 (MANE Select); coding-DNA position 3778, G replaced by A.
Protein change: p.Gly1260Ser; replaces glycine 1260 with serine.
Molecular consequence: missense variant. On other transcripts: intron variant (1).
Genome position (GRCh38, 1-based): chr8:60,830,577, G>A. VCF-style: chr8-60830577-G-A. GRCh37 (hg19) VCF-style: chr8-61743136-G-A.
Other names: c.3778G>A (NM_017780.2); c.1717-31652G>A (NM_001316690.1); short protein forms G1260S.
Identifiers: ClinVar variation 804692 (VCV000804692.3), dbSNP rs1586405837, ClinGen allele CA371315769.
Genomic context (GRCh38, chr8:60,830,577, plus strand): 5'-AACCTATTAAACACTATGATGGAATTGCGGAAGTGCTGCAATCATCCGTACCTTATCAAT[G>A]GTAAGGCTGCCCTGCTCGCGAACTTGCTTAAGTGACGATTGAAGCACCAGAAATCCCTTT-3'
Protein context (NP_060250.2, residues 1250-1270): KCCNHPYLIN[Gly1260Ser]AEEKILEEFK

ClinVar aggregate classification (germline): Conflicting classifications of pathogenicity. Review status: criteria provided, conflicting classifications (1 of 4 stars). 3 submissions from 3 submitters: Pathogenic (1); Uncertain significance (2). Last evaluated 2025-03-31.

Conditions:
CHARGE syndrome (CHARGE). Also called: Hittner Hirsch Kreh syndrome; CHARGE ASSOCIATION--COLOBOMA, HEART ANOMALY, CHOANAL ATRESIA, RETARDATION, GENITAL AND EAR ANOMALIES; Coloboma, heart anomaly, choanal atresia, retardation, genital and ear anomalies; CHARGE association; Hall-Hittner syndrome. Identifiers: Orphanet 138, MedGen C0265354, MONDO:0008965.

Submissions (3):

Labcorp Genetics (formerly Invitae), Labcorp
Classification: Uncertain significance for CHARGE syndrome. Last evaluated: 2025-03-31. Review status: criteria provided, single submitter. Criteria: Invitae Variant Classification Sherloc (09022015). Collection method: clinical testing. Allele origin: germline.
Comment: This sequence change replaces glycine, which is neutral and non-polar, with serine, which is neutral and polar, at codon 1260 of the CHD7 protein (p.Gly1260Ser). This variant also falls at the last nucleotide of exon 15, which is part of the consensus splice site for this exon. This variant is not present in population databases (gnomAD no frequency). This variant has not been reported in the literature in individuals affected with CHD7-related conditions. ClinVar contains an entry for this variant (Variation ID: 804692). An algorithm developed to predict the effect of missense changes on protein structure and function (PolyPhen-2) suggests that this variant is likely to be disruptive. Variants that disrupt the consensus splice site are a relatively common cause of aberrant splicing (PMID: 17576681, 9536098). Algorithms developed to predict the effect of sequence changes on RNA splicing suggest that this variant may disrupt the consensus splice site. In summary, the available evidence is currently insufficient to determine the role of this variant in disease. Therefore, it has been classified as a Variant of Uncertain Significance.

GeneDx
Classification: Pathogenic. Last evaluated: 2025-01-22. Review status: criteria provided, single submitter. Criteria: GeneDx Variant Classification Process June 2021. Collection method: clinical testing. Allele origin: germline. Affected: yes.
Comment: Alters the last nucleotide of the exon and is predicted to destroy the splice donor site and result in aberrant splicing, although in the absence of functional evidence the actual effect of this sequence change is unknown; Not observed at significant frequency in large population cohorts (gnomAD); In silico analysis supports that this missense variant has a deleterious effect on protein structure/function; Has not been previously reported in peer-reviewed literature as pathogenic or benign to our knowledge. However, in an abstract by Kotan et al. (2019), the p.(G1260S) was observed in a patient with normosmic idiopathic hypogonadotropic hypogonadism; this patient also harbored a benign missene variant; Kotan L.D et al. CHD7 mutations in patients with anosmic or normosmic idiopathic hypogonadotropic hypogonadism. European Society of Pediatric Endocrinology Poster (2019) 92 RFC8.5, Vienna, Austria 19 Sept 2019 - 21 Sept 2019.; This variant is associated with the following publications: (PMID: Kotan2019[abstract])

Athena Diagnostics
Classification: Uncertain significance. Last evaluated: 2018-11-23. Review status: criteria provided, single submitter. Criteria: Athena Diagnostics Criteria. Collection method: clinical testing. Allele origin: germline.

Literature cited by the submitters: PubMed 17576681 (cited by Labcorp Genetics (formerly Invitae), Labcorp); PubMed 9536098 (cited by Labcorp Genetics (formerly Invitae), Labcorp).